The following is an entry in ClinVar:

NM_018131.5(CEP55):c.78A>G (p.Thr26=)

Gene: CEP55 (centrosomal protein 55; plus strand). Cytogenetic location: 10q23.33.
Variant type: single nucleotide variant.
Coding change: c.78A>G on transcript NM_018131.5 (MANE Select); coding-DNA position 78, A replaced by G.
Protein change: p.Thr26=; no amino-acid change (threonine 26 retained).
Molecular consequence: synonymous variant.
Genome position (GRCh38, 1-based): chr10:93,500,129, A>G. VCF-style: chr10-93500129-A-G. GRCh37 (hg19) VCF-style: chr10-95259886-A-G.
Other names: c.78A>G, p.Thr26= (NM_001127182.2).
Identifiers: ClinVar variation 4534022 (VCV004534022.6).

ClinVar aggregate classification (germline): Likely benign (1 of 4 stars; one submission).

gnomAD v4.1: 40 of 1,613,692 alleles (0.0025%); highest among the groups gnomAD compares: Non-Finnish European, 0.0033%; no homozygotes.

Submission:

CeGaT Center for Human Genetics Tuebingen
Classification: Likely benign. Last evaluated: 2025-10-01. Review status: criteria provided, single submitter. Criteria: CeGaT Center For Human Genetics Tuebingen Variant Classification Criteria Version 2. Collection method: clinical testing. Allele origin: germline. Affected: yes. Observed: 1 variant allele.
Comment: CEP55: BP4, BP7